The following is an entry in ClinVar:

NM_000153.4(GALC):c.146A>T (p.Asp49Val)

Genes: GALC (galactosylceramidase; minus strand), LOC130056217 (ATAC-STARR-seq lymphoblastoid silent region 5988; plus strand). Cytogenetic location: 14q31.3.
Variant type: single nucleotide variant.
Coding change: c.146A>T on transcript NM_000153.4 (MANE Select); coding-DNA position 146, A replaced by T.
Protein change: p.Asp49Val; replaces aspartic acid 49 with valine.
Molecular consequence: missense variant. On other transcripts: intron variant (1).
Genome position (GRCh38, 1-based): chr14:87,993,019, T>A on the plus strand (A>T on the coding strand, the complement: GALC is on the minus strand). VCF-style: chr14-87993019-T-A. GRCh37 (hg19) VCF-style: chr14-88459363-T-A.
Other names: c.146A>T, p.Asp49Val (NM_001201401.2); c.117+364A>T (NM_001201402.2); short protein forms D49V.
Identifiers: ClinVar variation 1952834 (VCV001952834.2), dbSNP rs758042794, ClinGen allele CA7297495.

ClinVar aggregate classification (germline): Uncertain significance (1 of 4 stars; one submission).

Conditions:
Galactosylceramide beta-galactosidase deficiency. Also called: GALACTOCEREBROSIDASE DEFICIENCY; GALC DEFICIENCY; GLOBOID CELL LEUKOENCEPHALOPATHY; Leukodystrophy, Globoid Cell; Krabbe Disease. Identifiers: Orphanet 487, MedGen C0023521, MONDO:0009499, OMIM 245200.

Allele frequency attached by ClinVar (database versions not stated): ExAC 0.00005.
gnomAD v4.1: 10 of 1,545,746 alleles (0.00065%); highest among the groups gnomAD compares: South Asian, 0.011%; no homozygotes.

Submission:

Labcorp Genetics (formerly Invitae), Labcorp
Classification: Uncertain significance for Galactosylceramide beta-galactosidase deficiency. Last evaluated: 2022-01-13. Review status: criteria provided, single submitter. Criteria: Invitae Variant Classification Sherloc (09022015). Collection method: clinical testing. Allele origin: germline.
Comment: This sequence change replaces aspartic acid, which is acidic and polar, with valine, which is neutral and non-polar, at codon 49 of the GALC protein (p.Asp49Val). This variant is present in population databases (rs758042794, gnomAD 0.01%). This variant has not been reported in the literature in individuals affected with GALC-related conditions. Advanced modeling of protein sequence and biophysical properties (such as structural, functional, and spatial information, amino acid conservation, physicochemical variation, residue mobility, and thermodynamic stability) performed at Invitae indicates that this missense variant is not expected to disrupt GALC protein function. In summary, the available evidence is currently insufficient to determine the role of this variant in disease. Therefore, it has been classified as a Variant of Uncertain Significance.